The following is an entry in ClinVar:

NM_001267550.2(TTN):c.97524A>G (p.Ile32508Met)

Genes: TTN (titin; minus strand), TTN-AS1 (TTN antisense RNA 1; plus strand). Cytogenetic location: 2q31.2.
Variant type: single nucleotide variant.
Coding change: c.97524A>G on transcript NM_001267550.2 (MANE Select); coding-DNA position 97524, A replaced by G.
Protein change: p.Ile32508Met; replaces isoleucine 32508 with methionine.
Molecular consequence: missense variant.
Genome position (GRCh38, 1-based): chr2:178,541,553, T>C on the plus strand (A>G on the coding strand, the complement: TTN is on the minus strand). VCF-style: chr2-178541553-T-C. GRCh37 (hg19) VCF-style: chr2-179406280-T-C.
Other names: c.92601A>G, p.Ile30867Met (NM_001256850.1); c.70329A>G, p.Ile23443Met (NM_003319.4); c.89820A>G, p.Ile29940Met (NM_133378.4); c.70704A>G, p.Ile23568Met (NM_133432.3); c.70905A>G, p.Ile23635Met (NM_133437.4); short protein forms I32508M, I29940M, I30867M, I23568M, I23635M, I23443M.
Identifiers: ClinVar variation 332716 (VCV000332716.9), dbSNP rs755848026, ClinGen allele CA1986530.

ClinVar aggregate classification (germline): Conflicting classifications of pathogenicity. Review status: criteria provided, conflicting classifications (1 of 4 stars). 8 submissions from 4 submitters: Uncertain significance (6); Benign (1); Likely benign (1). Last evaluated 2025-08-12.

Conditions:
Early-onset myopathy with fatal cardiomyopathy (CMYO5). Also called: Salih Myopathy; CONGENITAL MYOPATHY 5 WITH CARDIOMYOPATHY. Identifiers: Orphanet 289377, MedGen C2673677, MONDO:0012714, OMIM 611705. Disease mechanism: loss of function.
Tibial muscular dystrophy (TMD). Also called: UDD MYOPATHY; Tibial muscular dystrophy, tardive; Udd Distal Myopathy – Tibial Muscular Dystrophy. Identifiers: Orphanet 609, MedGen C1838244, MONDO:0010870, OMIM 600334.
Dilated cardiomyopathy 1G (CMD1G). Identifiers: Orphanet 154, MedGen C1858763, MONDO:0011400, OMIM 604145.
Myopathy, myofibrillar, 9, with early respiratory failure (MFM9). Also called: MYOPATHY, PROXIMAL, WITH EARLY RESPIRATORY MUSCLE INVOLVEMENT; Hereditary myopathy with early respiratory failure; Myopathy, distal, with early respiratory failure, autosomal dominant; EDSTROM MYOPATHY. Identifiers: Orphanet 178464, Orphanet 34521, MedGen C1863599, MONDO:0011362, OMIM 603689.
Autosomal recessive limb-girdle muscular dystrophy type 2J (LGMDR10). Also called: Limb-girdle muscular dystrophy, type 2J; MUSCULAR DYSTROPHY, LIMB-GIRDLE, AUTOSOMAL RECESSIVE 10. Identifiers: Orphanet 140922, MedGen C1837342, MONDO:0012127, OMIM 608807.
TTN-related disorder. Also called: TTN-related disorders; TTN-related condition; TTN-related disease.
Primary dilated cardiomyopathy (DCM). Also called: Dilated Cardiomyopathy. Identifiers: Orphanet 217604, MedGen C0007193, MeSH D002311, MONDO:0005021, HP:0001644. Inheritance: Various modes of inheritance.

Allele frequency attached by ClinVar (database versions not stated): TOPMed 0.00006.
gnomAD v4.1: 68 of 1,611,780 alleles (0.0042%); highest among the groups gnomAD compares: Non-Finnish European, 0.0057%; no homozygotes.

Submissions (8):

PreventionGenetics, part of Exact Sciences
Classification: Uncertain significance for TTN-related condition. Last evaluated: 2025-08-12. Review status: criteria provided, single submitter. Criteria: ACMG Guidelines, 2015. Collection method: clinical testing. Allele origin: germline.
Comment: The TTN c.97524A>G variant is predicted to result in the amino acid substitution p.Ile32508Met. To our knowledge, this variant has not been reported in the literature. This variant is reported in 0.0072% of alleles in individuals of European (Non-Finnish) descent in gnomAD. At this time, the clinical significance of this variant is uncertain due to the absence of conclusive functional and genetic evidence.

Revvity Omics, Revvity
Classification: Uncertain significance. Last evaluated: 2020-02-13. Review status: criteria provided, single submitter. Criteria: ACMG Guidelines, 2015. Collection method: clinical testing. Allele origin: germline.

Center for Advanced Laboratory Medicine, UC San Diego Health, University of California San Diego
Classification: Uncertain significance for Dilated cardiomyopathy. Last evaluated: 2019-03-19. Review status: criteria provided, single submitter. Criteria: ACMG Guidelines, 2015. Collection method: clinical testing. Allele origin: germline. Affected: yes. Observed: 1 variant allele.

Illumina Laboratory Services, Illumina
Classification: Uncertain significance for Early-onset myopathy with fatal cardiomyopathy. Last evaluated: 2018-01-13. Review status: criteria provided, single submitter. Criteria: ICSL Variant Classification Criteria 13 December 2019. Collection method: clinical testing. Allele origin: germline.

Illumina Laboratory Services, Illumina
Classification: Benign for Tibial muscular dystrophy. Last evaluated: 2018-01-13. Review status: criteria provided, single submitter. Criteria: ICSL Variant Classification Criteria 13 December 2019. Collection method: clinical testing. Allele origin: germline.
Comment: This variant was observed in the ICSL laboratory as part of a predisposition screen in an ostensibly healthy population. It had not been previously curated by ICSL or reported in the Human Gene Mutation Database (HGMD: prior to June 1st, 2018), and was therefore a candidate for classification through an automated scoring system. Utilizing variant allele frequency, disease prevalence and penetrance estimates, and inheritance mode, an automated score was calculated to assess if this variant is too frequent to cause the disease. Based on the score and internal cut-off values, a variant classified as benign is not then subjected to further curation. The score for this variant resulted in a classification of benign for this disease.

Illumina Laboratory Services, Illumina
Classification: Likely benign for Myopathy, myofibrillar, 9, with early respiratory failure. Last evaluated: 2018-01-13. Review status: criteria provided, single submitter. Criteria: ICSL Variant Classification Criteria 13 December 2019. Collection method: clinical testing. Allele origin: germline.
Comment: This variant was observed in the ICSL laboratory as part of a predisposition screen in an ostensibly healthy population. It had not been previously curated by ICSL or reported in the Human Gene Mutation Database (HGMD: prior to June 1st, 2018), and was therefore a candidate for classification through an automated scoring system. Utilizing variant allele frequency, disease prevalence and penetrance estimates, and inheritance mode, an automated score was calculated to assess if this variant is too frequent to cause the disease. Based on the score and internal cut-off values, a variant classified as likely benign is not then subjected to further curation. The score for this variant resulted in a classification of likely benign for this disease.

Illumina Laboratory Services, Illumina
Classification: Uncertain significance for Dilated cardiomyopathy 1G. Last evaluated: 2018-01-13. Review status: criteria provided, single submitter. Criteria: ICSL Variant Classification Criteria 13 December 2019. Collection method: clinical testing. Allele origin: germline.

Illumina Laboratory Services, Illumina
Classification: Uncertain significance for Autosomal recessive limb-girdle muscular dystrophy type 2J. Last evaluated: 2018-01-13. Review status: criteria provided, single submitter. Criteria: ICSL Variant Classification Criteria 13 December 2019. Collection method: clinical testing. Allele origin: germline.